The following is an entry in ClinVar:

NM_006949.4(STXBP2):c.1507G>T (p.Ala503Ser)

Gene: STXBP2 (syntaxin binding protein 2; plus strand). Cytogenetic location: 19p13.2.
Variant type: single nucleotide variant.
Coding change: c.1507G>T on transcript NM_006949.4 (MANE Select); coding-DNA position 1507, G replaced by T.
Protein change: p.Ala503Ser; replaces alanine 503 with serine.
Molecular consequence: missense variant. On other transcripts: non-coding transcript variant (1).
Genome position (GRCh38, 1-based): chr19:7,647,216, G>T. VCF-style: chr19-7647216-G-T. GRCh37 (hg19) VCF-style: chr19-7712102-G-T.
Other names: c.1498G>T, p.Ala500Ser (NM_001127396.3); c.1540G>T, p.Ala514Ser (NM_001272034.2); short protein forms A503S, A514S, A500S.
Identifiers: ClinVar variation 1472876 (VCV001472876.8), dbSNP rs374882127, ClinGen allele CA403161844.
Genomic context (GRCh38, chr19:7,647,216, plus strand): 5'-CGCCAGGACGCCGTGGAGGACCGGCTGGACAGGAACCTGTGGCCCTTCGTATCCGACCCC[G>T]CCCCCACGGCCAGCTCCCAGGCCGCTGTCAGGTGAGGCCCCGGGGCCGCCCCCGCCCACG-3'
Protein context (NP_008880.2, residues 493-513): RNLWPFVSDP[Ala503Ser]PTASSQAAVS

ClinVar aggregate classification (germline): Uncertain significance (1 of 4 stars; one submission).

Conditions:
Familial hemophagocytic lymphohistiocytosis 5. Also called: STXBP2-Related Familial Hemophagocytic Lymphohistiocytosis (STXBP2-fHLH). Identifiers: Orphanet 540, MedGen C2751293, MONDO:0013135, OMIM 613101.

Submission:

Labcorp Genetics (formerly Invitae), Labcorp
Classification: Uncertain significance for Familial hemophagocytic lymphohistiocytosis 5. Last evaluated: 2021-12-03. Review status: criteria provided, single submitter. Criteria: Invitae Variant Classification Sherloc (09022015). Collection method: clinical testing. Allele origin: germline.
Comment: This sequence change replaces alanine, which is neutral and non-polar, with serine, which is neutral and polar, at codon 503 of the STXBP2 protein (p.Ala503Ser). This variant is not present in population databases (gnomAD no frequency). This variant has not been reported in the literature in individuals affected with STXBP2-related conditions. Algorithms developed to predict the effect of missense changes on protein structure and function (SIFT, PolyPhen-2, Align-GVGD) all suggest that this variant is likely to be tolerated. In summary, the available evidence is currently insufficient to determine the role of this variant in disease. Therefore, it has been classified as a Variant of Uncertain Significance.